The following is an entry in ClinVar:

ClinVar aggregate classification (germline): Uncertain significance (1 of 4 stars; one submission).

gnomAD v4.1: 2 of 1,595,638 alleles (0.00013%); highest among the groups gnomAD compares: Non-Finnish European, 0.00017%; no homozygotes.

Submission:

Labcorp Genetics (formerly Invitae), Labcorp
Classification: Uncertain significance. Last evaluated: 2024-06-10. Review status: criteria provided, single submitter. Criteria: Invitae Variant Classification Sherloc (09022015). Collection method: clinical testing. Allele origin: germline.
Comment: This sequence change replaces valine, which is neutral and non-polar, with alanine, which is neutral and non-polar, at codon 386 of the GUCY2C protein (p.Val386Ala). This variant is not present in population databases (gnomAD no frequency). This variant has not been reported in the literature in individuals affected with GUCY2C-related conditions. Advanced modeling of protein sequence and biophysical properties (such as structural, functional, and spatial information, amino acid conservation, physicochemical variation, residue mobility, and thermodynamic stability) performed at Invitae indicates that this missense variant is not expected to disrupt GUCY2C protein function with a negative predictive value of 80%. In summary, the available evidence is currently insufficient to determine the role of this variant in disease. Therefore, it has been classified as a Variant of Uncertain Significance.

NM_004963.4(GUCY2C):c.1157T>C (p.Val386Ala)

Genes: GUCY2C (guanylate cyclase 2C; minus strand), GUCY2C-AS1 (GUCY2C antisense RNA 1; plus strand). Cytogenetic location: 12p12.3.
Variant type: single nucleotide variant.
Coding change: c.1157T>C on transcript NM_004963.4 (MANE Select); coding-DNA position 1157, T replaced by C.
Protein change: p.Val386Ala; replaces valine 386 with alanine.
Molecular consequence: missense variant.
Genome position (GRCh38, 1-based): chr12:14,672,886, A>G on the plus strand (T>C on the coding strand, the complement: GUCY2C is on the minus strand). VCF-style: chr12-14672886-A-G. GRCh37 (hg19) VCF-style: chr12-14825820-A-G.
Other names: short protein forms V386A.
Identifiers: ClinVar variation 3655644 (VCV003655644.2).